The following is an entry in ClinVar:

ClinVar aggregate classification (germline): Uncertain significance. Review status: criteria provided, multiple submitters, no conflicts (2 of 4 stars). 2 submissions from 2 submitters: Uncertain significance (2). Last evaluated 2024-04-29.

Conditions:
Hereditary cancer-predisposing syndrome. Also called: Hereditary neoplastic syndrome; Tumor predisposition; Neoplastic Syndromes, Hereditary; Hereditary Cancer Syndrome. Identifiers: Orphanet 140162, MedGen C0027672, MeSH D009386, MONDO:0015356.
Bloom syndrome (BLM). Also called: Bloom-Torre-Machacek syndrome. Identifiers: Orphanet 125, MedGen C0005859, MONDO:0008876, OMIM 210900.

Allele frequency attached by ClinVar (database versions not stated): gnomAD exomes below 0.00001; gnomAD 0.00001; TOPMed 0.00001.
gnomAD v4.1: 3 of 1,613,022 alleles (0.00019%); highest among the groups gnomAD compares: Non-Finnish European, 0.00025%; no homozygotes.

Submissions (2):

Ambry Genetics
Classification: Uncertain significance for Hereditary cancer-predisposing syndrome. Last evaluated: 2024-04-29. Review status: criteria provided, single submitter. Criteria: Ambry Variant Classification Scheme 2023. Collection method: clinical testing. Allele origin: germline.
Comment: The p.S166L variant (also known as c.497C>T), located in coding exon 2 of the BLM gene, results from a C to T substitution at nucleotide position 497. The serine at codon 166 is replaced by leucine, an amino acid with dissimilar properties. This amino acid position is well conserved in available vertebrate species. In addition, this alteration is predicted to be tolerated by in silico analysis. Based on the available evidence, the clinical significance of this variant remains unclear.

Labcorp Genetics (formerly Invitae), Labcorp
Classification: Uncertain significance for Bloom syndrome. Last evaluated: 2023-05-19. Review status: criteria provided, single submitter. Criteria: Invitae Variant Classification Sherloc (09022015). Collection method: clinical testing. Allele origin: germline.
Comment: In summary, the available evidence is currently insufficient to determine the role of this variant in disease. Therefore, it has been classified as a Variant of Uncertain Significance. An algorithm developed to predict the effect of missense changes on protein structure and function (PolyPhen-2) suggests that this variant is likely to be disruptive. ClinVar contains an entry for this variant (Variation ID: 955138). This variant has not been reported in the literature in individuals affected with BLM-related conditions. This variant is not present in population databases (gnomAD no frequency). This sequence change replaces serine, which is neutral and polar, with leucine, which is neutral and non-polar, at codon 166 of the BLM protein (p.Ser166Leu).

NM_000057.4(BLM):c.497C>T (p.Ser166Leu)

Gene: BLM (BLM RecQ like helicase; plus strand). Cytogenetic location: 15q26.1.
Variant type: single nucleotide variant.
Coding change: c.497C>T on transcript NM_000057.4 (MANE Select); coding-DNA position 497, C replaced by T.
Protein change: p.Ser166Leu; replaces serine 166 with leucine.
Molecular consequence: missense variant. On other transcripts: 5 prime UTR variant (1).
Genome position (GRCh38, 1-based): chr15:90,749,765, C>T. VCF-style: chr15-90749765-C-T. GRCh37 (hg19) VCF-style: chr15-91292995-C-T.
Other names: c.497C>T, p.Ser166Leu (NM_001287246.2, NM_001287247.2); c.-795C>T (NM_001287248.2); short protein forms S166L.
Identifiers: ClinVar variation 955138 (VCV000955138.13), dbSNP rs896357448, ClinGen allele CA274728157.